The following is an entry in ClinVar:

NM_000660.7(TGFB1):c.565C>T (p.Pro189Ser)

Gene: TGFB1 (transforming growth factor beta 1; minus strand). Cytogenetic location: 19q13.2.
Variant type: single nucleotide variant.
Coding change: c.565C>T on transcript NM_000660.7 (MANE Select); coding-DNA position 565, C replaced by T.
Protein change: p.Pro189Ser; replaces proline 189 with serine.
Molecular consequence: missense variant.
Genome position (GRCh38, 1-based): chr19:41,344,816, G>A on the plus strand (C>T on the coding strand, the complement: TGFB1 is on the minus strand). VCF-style: chr19-41344816-G-A. GRCh37 (hg19) VCF-style: chr19-41850721-G-A.
Other names: short protein forms P189S.
Identifiers: ClinVar variation 3655630 (VCV003655630.2).
Genomic context (GRCh38, chr19:41,344,816, plus strand): 5'-TCAACCACTGCCGCACAACTCCGGTGACATCAAAAGATAACCACTCTGGCGAGTCGCTGG[G>A]TGCCAGCAGCCGGTTGCTGAGGTATCGCCAGGAATTGTTGCTGTATTTCTAGAGGATGAT-3'
Protein context (NP_000651.3, residues 179-199): WRYLSNRLLA[Pro189Ser]SDSPEWLSFD

ClinVar aggregate classification (germline): Uncertain significance (1 of 4 stars; one submission).

gnomAD v4.1: 5 of 1,611,492 alleles (0.00031%); highest among the groups gnomAD compares: African/African-American, 0.0027%; no homozygotes.

Submission:

Labcorp Genetics (formerly Invitae), Labcorp
Classification: Uncertain significance. Last evaluated: 2024-06-05. Review status: criteria provided, single submitter. Criteria: Invitae Variant Classification Sherloc (09022015). Collection method: clinical testing. Allele origin: germline.
Comment: This sequence change replaces proline, which is neutral and non-polar, with serine, which is neutral and polar, at codon 189 of the TGFB1 protein (p.Pro189Ser). This variant is not present in population databases (gnomAD no frequency). This variant has not been reported in the literature in individuals affected with TGFB1-related conditions. Advanced modeling of protein sequence and biophysical properties (such as structural, functional, and spatial information, amino acid conservation, physicochemical variation, residue mobility, and thermodynamic stability) performed at Invitae indicates that this missense variant is not expected to disrupt TGFB1 protein function with a negative predictive value of 80%. In summary, the available evidence is currently insufficient to determine the role of this variant in disease. Therefore, it has been classified as a Variant of Uncertain Significance.